The following is an entry in ClinVar:

NM_012388.4(BLOC1S6):c.200C>G (p.Ser67Ter)

Gene: BLOC1S6 (biogenesis of lysosomal organelles complex 1 subunit 6; plus strand). Cytogenetic location: 15q21.1.
Variant type: single nucleotide variant.
Coding change: c.200C>G on transcript NM_012388.4 (MANE Select); coding-DNA position 200, C replaced by G.
Protein change: p.Ser67Ter; replaces serine 67 with a stop codon.
Molecular consequence: nonsense. On other transcripts: non-coding transcript variant (5).
Genome position (GRCh38, 1-based): chr15:45,592,252, C>G. VCF-style: chr15-45592252-C-G. GRCh37 (hg19) VCF-style: chr15-45884450-C-G.
Other names: c.215C>G, p.Ser72Ter (NM_001311255.1, NM_001311256.1); short protein forms S67*, S72*.
Identifiers: ClinVar variation 827680 (VCV000827680.8), dbSNP rs772475341, ClinGen allele CA7544269.

ClinVar aggregate classification (germline): Pathogenic/Likely pathogenic. Review status: criteria provided, multiple submitters, no conflicts (2 of 4 stars). 4 submissions from 4 submitters: Pathogenic (2); Likely pathogenic (1). 1 of the submissions does not count toward it. Last evaluated 2023-10-19.

Conditions:
BLOC1S6-related disorder. Also called: BLOC1S6-related condition.
Hermansky-Pudlak syndrome 9 (HPS9). Identifiers: Orphanet 280663, Orphanet 79430, MedGen C3280026, MONDO:0013606, OMIM 614171.

Allele frequency attached by ClinVar (database versions not stated): gnomAD exomes below 0.00001; ExAC 0.00001.

Submissions (4):

Labcorp Genetics (formerly Invitae), Labcorp
Classification: Pathogenic for Hermansky-Pudlak syndrome 9. Last evaluated: 2023-10-19. Review status: criteria provided, single submitter. Criteria: Invitae Variant Classification Sherloc (09022015). Collection method: clinical testing. Allele origin: germline.
Comment: This sequence change creates a premature translational stop signal (p.Ser67*) in the BLOC1S6 gene. It is expected to result in an absent or disrupted protein product. Loss-of-function variants in BLOC1S6 are known to be pathogenic (PMID: 10610180, 21665000, 22461475). This variant is present in population databases (rs772475341, gnomAD 0.003%). This premature translational stop signal has been observed in individual(s) with Hermansky-Pudlak syndrome (PMID: 32245340). ClinVar contains an entry for this variant (Variation ID: 827680). For these reasons, this variant has been classified as Pathogenic.

Blueprint Genetics
Classification: Pathogenic for BLOC1S6-related disorders. Last evaluated: 2023-08-11. Review status: criteria provided, single submitter. Criteria: ACMG Guidelines, 2015. Collection method: clinical testing. Allele origin: germline. Affected: yes. Observed: 2 variant alleles.

Laboratoire de Génétique Moléculaire, CHU Bordeaux
Classification: Likely pathogenic for Hermansky-Pudlak syndrome 9. Last evaluated: 2020-02-20. Review status: criteria provided, single submitter. Criteria: ACMG Guidelines, 2015. Collection method: clinical testing. Allele origin: germline. Inheritance: Autosomal recessive inheritance. Affected: yes. Observed: 1 compound heterozygote.
Comment: Variant in trans of another variant classified Likely Pathogenic upon ACMG classification.

OMIM
Classification: Pathogenic for HERMANSKY-PUDLAK SYNDROME 9. Last evaluated: 2024-08-06. Review status: no assertion criteria provided. Collection method: literature only. Allele origin: germline. Not counted in ClinVar's aggregate classification.

Literature cited by the submitters: PubMed 10610180 (cited by Labcorp Genetics (formerly Invitae), Labcorp); PubMed 21665000 (cited by Labcorp Genetics (formerly Invitae), Labcorp); PubMed 22461475 (cited by Labcorp Genetics (formerly Invitae), Labcorp); PubMed 32245340 (cited by Labcorp Genetics (formerly Invitae), Labcorp and OMIM).